The following is an entry in ClinVar:

ClinVar aggregate classification (germline): Likely benign (1 of 4 stars; one submission).

Conditions:
NRP2-related disorder. Also called: NRP2-related condition.

gnomAD v4.1: 1 of 1,614,210 alleles (0.000062%); no homozygotes.

Submission:

PreventionGenetics, part of Exact Sciences
Classification: Likely benign for NRP2-related condition. Last evaluated: 2025-03-03. Review status: criteria provided, single submitter. Criteria: ACMG Guidelines, 2015. Collection method: clinical testing. Allele origin: germline.
Comment: This variant is classified as likely benign based on ACMG/AMP sequence variant interpretation guidelines (Richards et al. 2015 PMID: 25741868, with internal and published modifications).

NM_003872.3(NRP2):c.2535C>A (p.Pro845=)

Gene: NRP2 (neuropilin 2; plus strand). Cytogenetic location: 2q33.3.
Variant type: single nucleotide variant.
Coding change: c.2535C>A on transcript NM_003872.3 (MANE Select); coding-DNA position 2535, C replaced by A.
Protein change: p.Pro845=; no amino-acid change (proline 845 retained).
Molecular consequence: synonymous variant.
Genome position (GRCh38, 1-based): chr2:205,794,812, C>A. VCF-style: chr2-205794812-C-A. GRCh37 (hg19) VCF-style: chr2-206659536-C-A.
Other names: c.2550C>A, p.Pro850= (NM_201266.2); c.2484C>A, p.Pro828= (NM_201279.2).
Identifiers: ClinVar variation 5000316 (VCV005000316.1).